The following is an entry in ClinVar:

ClinVar aggregate classification (germline): Uncertain significance. Review status: criteria provided, multiple submitters, no conflicts (2 of 4 stars). 2 submissions from 2 submitters: Uncertain significance (2). Last evaluated 2025-10-26.

Conditions:
Familial hemiplegic migraine. Identifiers: MedGen C0338484, MONDO:0000700.

Allele frequency attached by ClinVar (database versions not stated): ExAC 0.00001; gnomAD 0.00001; TOPMed 0.00001; 1000 Genomes Project 30x 0.00016; 1000 Genomes Project 0.00020.
gnomAD v4.1: 11 of 1,609,968 alleles (0.00068%); highest among the groups gnomAD compares: African/African-American, 0.0013%; no homozygotes.

Submissions (2):

Labcorp Genetics (formerly Invitae), Labcorp
Classification: Uncertain significance for Familial hemiplegic migraine. Last evaluated: 2025-10-26. Review status: criteria provided, single submitter. Criteria: Invitae Variant Classification Sherloc (09022015). Collection method: clinical testing. Allele origin: germline.
Comment: This sequence change replaces threonine, which is neutral and polar, with methionine, which is neutral and non-polar, at codon 417 of the ATP1A2 protein (p.Thr417Met). The frequency data for this variant in the population databases is considered unreliable, as metrics indicate poor data quality at this position in the gnomAD database. This variant has not been reported in the literature in individuals affected with ATP1A2-related conditions. ClinVar contains an entry for this variant (Variation ID: 2439342). Invitae Evidence Modeling of protein sequence and biophysical properties (such as structural, functional, and spatial information, amino acid conservation, physicochemical variation, residue mobility, and thermodynamic stability) indicates that this missense variant is not expected to disrupt ATP1A2 protein function with a negative predictive value of 80%. In summary, the available evidence is currently insufficient to determine the role of this variant in disease. Therefore, it has been classified as a Variant of Uncertain Significance.

Revvity Omics, Revvity
Classification: Uncertain significance. Last evaluated: 2022-01-12. Review status: criteria provided, single submitter. Criteria: ACMG Guidelines, 2015. Collection method: clinical testing. Allele origin: germline.

NM_000702.4(ATP1A2):c.1250C>T (p.Thr417Met)

Gene: ATP1A2 (ATPase Na+/K+ transporting subunit alpha 2; plus strand). Cytogenetic location: 1q23.2.
Variant type: single nucleotide variant.
Coding change: c.1250C>T on transcript NM_000702.4 (MANE Select); coding-DNA position 1250, C replaced by T.
Protein change: p.Thr417Met; replaces threonine 417 with methionine.
Molecular consequence: missense variant.
Genome position (GRCh38, 1-based): chr1:160,129,013, C>T. VCF-style: chr1-160129013-C-T. GRCh37 (hg19) VCF-style: chr1-160098803-C-T.
Other names: short protein forms T417M.
Identifiers: ClinVar variation 2439342 (VCV002439342.4), dbSNP rs138696612, ClinGen allele CA1194425.